The following is an entry in ClinVar:

ClinVar aggregate classification (germline): Conflicting classifications of pathogenicity. Review status: criteria provided, conflicting classifications (1 of 4 stars). 5 submissions from 5 submitters: Uncertain significance (1); Benign (1); Likely benign (2). 1 of the submissions does not count toward it. Last evaluated 2025-09-28.

Conditions:
FREM1-related disorder. Also called: FREM1-related condition; FREM1-Related Disorders.
Oculotrichoanal syndrome (MOTA). Also called: MARLES SYNDROME; Manitoba Oculotrichoanal (MOTA) Syndrome. Identifiers: Orphanet 2717, MedGen C1855425, MONDO:0009560, OMIM 248450.

Allele frequency attached by ClinVar (database versions not stated): gnomAD 0.00068 and 0.00078; TOPMed 0.00075; 1000 Genomes Project 0.00080; ESP Exome Variant Server 0.00082; 1000 Genomes Project 30x 0.00094; gnomAD exomes 0.00111; ExAC 0.00114.
gnomAD v4.1: 1,932 of 1,613,192 alleles (0.12%); highest among the groups gnomAD compares: Middle Eastern, 0.53%; 7 homozygotes.

Submissions (5):

Labcorp Genetics (formerly Invitae), Labcorp
Classification: Benign. Last evaluated: 2025-09-28. Review status: criteria provided, single submitter. Criteria: Invitae Variant Classification Sherloc (09022015). Collection method: clinical testing. Allele origin: germline.

Blueprint Genetics
Classification: Likely benign. Last evaluated: 2024-11-26. Review status: criteria provided, single submitter. Criteria: ACMG Guidelines, 2015. Collection method: clinical testing. Allele origin: germline.

CeGaT Center for Human Genetics Tuebingen
Classification: Likely benign. Last evaluated: 2022-11-01. Review status: criteria provided, single submitter. Criteria: CeGaT Center For Human Genetics Tuebingen Variant Classification Criteria Version 2. Collection method: clinical testing. Allele origin: germline. Affected: yes. Observed: 1 variant allele.
Comment: FREM1: BP4, BS2

Illumina Laboratory Services, Illumina
Classification: Uncertain significance for Oculotrichoanal syndrome. Last evaluated: 2018-01-13. Review status: criteria provided, single submitter. Criteria: ICSL Variant Classification Criteria 13 December 2019. Collection method: clinical testing. Allele origin: germline.

PreventionGenetics, part of Exact Sciences
Classification: Likely benign for FREM1-related condition. Last evaluated: 2020-11-04. Review status: no assertion criteria provided. Collection method: clinical testing. Allele origin: germline. Not counted in ClinVar's aggregate classification.
Comment: This variant is classified as likely benign based on ACMG/AMP sequence variant interpretation guidelines (Richards et al. 2015 PMID: 25741868, with internal and published modifications).

NM_001379081.2(FREM1):c.3359A>T (p.Gln1120Leu)

Gene: FREM1 (FRAS1 related extracellular matrix 1; minus strand). Cytogenetic location: 9p22.3.
Variant type: single nucleotide variant.
Coding change: c.3359A>T on transcript NM_001379081.2 (MANE Select); coding-DNA position 3359, A replaced by T.
Protein change: p.Gln1120Leu; replaces glutamine 1120 with leucine.
Molecular consequence: missense variant. On other transcripts: non-coding transcript variant (2).
Genome position (GRCh38, 1-based): chr9:14,805,068, T>A on the plus strand (A>T on the coding strand, the complement: FREM1 is on the minus strand). VCF-style: chr9-14805068-T-A. GRCh37 (hg19) VCF-style: chr9-14805066-T-A.
Other names: c.3359A>T, p.Gln1120Leu (NM_144966.7); short protein forms Q1120L.
Identifiers: ClinVar variation 366135 (VCV000366135.44), dbSNP rs143844459, ClinGen allele CA4990586.